The following is an entry in ClinVar:

NM_005327.7(HADH):c.369del (p.Asn123_Leu124insTer)

Gene: HADH (hydroxyacyl-CoA dehydrogenase; plus strand). Cytogenetic location: 4q25.
Variant type: Deletion.
Coding change: c.369del on transcript NM_005327.7 (MANE Select); coding-DNA position 369, one base deleted (T; older notation c.369delT).
Protein change: p.Asn123_Leu124insTer.
Molecular consequence: frameshift variant.
Genome position (GRCh38, 1-based): chr4:108,014,538, T deleted. VCF-style (leftmost placement, unchanged base first): chr4-108014537-AT-A. GRCh37 (hg19) VCF-style: chr4-108935693-AT-A.
Other names: c.369del, p.Asn123_Leu124insTer (NM_001184705.4); c.381del, p.Asn127_Leu128insTer (NM_001331027.2).
Identifiers: ClinVar variation 2826330 (VCV002826330.3), dbSNP rs2477217602, ClinGen allele CA2739270230.
Genomic context (GRCh38, chr4:108,014,537, plus strand): 5'-GCACGGATGCAGCCTCCGTTGTCCACAGCACAGACTTGGTGGTGGAAGCCATCGTGGAGA[AT>A]CTGAAGGTGAAAAACGAGCTCTTCAAAAGGCTGGACAAGTTTGCTGCTGAGTATGTAACC-3'

ClinVar aggregate classification (germline): Pathogenic (1 of 4 stars; one submission).

Conditions:
Deficiency of 3-hydroxyacyl-CoA dehydrogenase. Also called: HADH DEFICIENCY; 3-hydroxyacyl-CoA dehydrogenase deficiency. Identifiers: Orphanet 309127, Orphanet 71212, MedGen C1291230, MONDO:0017715, OMIM 231530.

Submission:

Labcorp Genetics (formerly Invitae), Labcorp
Classification: Pathogenic for Deficiency of 3-hydroxyacyl-CoA dehydrogenase. Last evaluated: 2023-02-20. Review status: criteria provided, single submitter. Criteria: Invitae Variant Classification Sherloc (09022015). Collection method: clinical testing. Allele origin: germline.
Comment: For these reasons, this variant has been classified as Pathogenic. This variant has not been reported in the literature in individuals affected with HADH-related conditions. This variant is not present in population databases (gnomAD no frequency). This sequence change creates a premature translational stop signal (p.Leu124*) in the HADH gene. It is expected to result in an absent or disrupted protein product. Loss-of-function variants in HADH are known to be pathogenic (PMID: 8825408).

Literature cited by the submitters: PubMed 8825408.